The following is an entry in ClinVar:

NM_001042472.3(ABHD12):c.729G>A (p.Trp243Ter)

Genes: ABHD12 (abhydrolase domain containing 12, lysophospholipase; minus strand), LOC126863008 (CDK7 strongly-dependent group 2 enhancer GRCh37_chr20:25289826-25291025; plus strand). Cytogenetic location: 20p11.21.
Variant type: single nucleotide variant.
Coding change: c.729G>A on transcript NM_001042472.3 (MANE Select); coding-DNA position 729, G replaced by A.
Protein change: p.Trp243Ter; replaces tryptophan 243 with a stop codon.
Molecular consequence: nonsense.
Genome position (GRCh38, 1-based): chr20:25,309,466, C>T on the plus strand (G>A on the coding strand, the complement: ABHD12 is on the minus strand). VCF-style: chr20-25309466-C-T. GRCh37 (hg19) VCF-style: chr20-25290102-C-T.
Other names: c.729G>A, p.Trp243Ter (NM_015600.5); short protein forms W243*.
Identifiers: ClinVar variation 1356753 (VCV001356753.6), dbSNP rs2145935797, ClinGen allele CA408456095.

ClinVar aggregate classification (germline): Pathogenic (1 of 4 stars; one submission).

gnomAD v4.1: 3 of 1,614,152 alleles (0.00019%); highest among the groups gnomAD compares: Non-Finnish European, 0.00025%; no homozygotes.

Submission:

Labcorp Genetics (formerly Invitae), Labcorp
Classification: Pathogenic. Last evaluated: 2023-02-14. Review status: criteria provided, single submitter. Criteria: Invitae Variant Classification Sherloc (09022015). Collection method: clinical testing. Allele origin: germline.
Comment: For these reasons, this variant has been classified as Pathogenic. ClinVar contains an entry for this variant (Variation ID: 1356753). This variant has not been reported in the literature in individuals affected with ABHD12-related conditions. This variant is not present in population databases (gnomAD no frequency). This sequence change creates a premature translational stop signal (p.Trp243*) in the ABHD12 gene. It is expected to result in an absent or disrupted protein product. Loss-of-function variants in ABHD12 are known to be pathogenic (PMID: 20797687).

Literature cited by the submitters: PubMed 20797687.